The following is an entry in ClinVar:

NM_000070.3(CAPN3):c.2050+1G>T

Gene: CAPN3 (calpain 3; plus strand). Cytogenetic location: 15q15.1.
Variant type: single nucleotide variant.
Coding change: c.2050+1G>T on transcript NM_000070.3 (MANE Select); the canonical splice donor site of the intron after coding-DNA position 2050, G replaced by T.
Molecular consequence: splice donor variant.
Genome position (GRCh38, 1-based): chr15:42,409,845, G>T. VCF-style: chr15-42409845-G-T. GRCh37 (hg19) VCF-style: chr15-42702043-G-T.
Other names: c.2032+1G>T (NM_024344.2); c.1774+1G>T (NM_173087.2); c.514+1G>T (NM_173088.2); c.55+1G>T (NM_173090.2, NM_173089.2).
Identifiers: ClinVar variation 4816202 (VCV004816202.1).

ClinVar aggregate classification (germline): Pathogenic (1 of 4 stars; one submission).

Conditions:
Autosomal recessive limb-girdle muscular dystrophy type 2A (LGMDR1). Also called: Calpainopathy; LEYDEN-MOEBIUS MUSCULAR DYSTROPHY; MUSCULAR DYSTROPHY, PELVOFEMORAL; Muscular dystrophy, limb-girdle, type 2A, Amish; Limb-girdle muscular dystrophy, type 2A. Identifiers: Orphanet 267, MedGen C1869123, MONDO:0009675, OMIM 253600. Disease mechanism: loss of function.

gnomAD v4.1: 2 of 1,410,698 alleles (0.00014%); highest among the groups gnomAD compares: Middle Eastern, 0.019%; no homozygotes.

Submission:

Natera, Inc.
Classification: Pathogenic for Limb-girdle muscular dystrophy type 2A. Last evaluated: 2024-04-18. Review status: criteria provided, single submitter. Criteria: Natera Variant Classification Schema (03/2026). Collection method: clinical testing. Allele origin: germline.
Comment: The c.2050+1G>T variant in CAPN3 is a canonical splice donor site variant predicted to affect pre-mRNA splicing, which may result in an abnormal transcript and altered protein product. This variant is expected to result in nonsense mediated decay, truncation, or a dysfunctional protein product. This variant is rare in the general population with a frequency below the threshold expected for the associated phenotype(s). Another variant at this same site results in an alteration predicted to cause a similar molecular effect has been observed in individual(s) with the associated phenotype. Given the available evidence, this variant is classified as Pathogenic.